The following is an entry in ClinVar:

ClinVar aggregate classification (germline): Uncertain significance. Review status: criteria provided, multiple submitters, no conflicts (2 of 4 stars). 2 submissions from 2 submitters: Uncertain significance (2). Last evaluated 2025-07-01.

Allele frequency attached by ClinVar (database versions not stated): gnomAD exomes below 0.00001; gnomAD 0.00001; TOPMed 0.00001.
gnomAD v4.1: 8 of 1,538,884 alleles (0.00052%); highest among the groups gnomAD compares: South Asian, 0.0025%; no homozygotes.

Submissions (2):

Labcorp Genetics (formerly Invitae), Labcorp
Classification: Uncertain significance. Last evaluated: 2025-07-01. Review status: criteria provided, single submitter. Criteria: Invitae Variant Classification Sherloc (09022015). Collection method: clinical testing. Allele origin: germline.
Comment: This sequence change replaces serine, which is neutral and polar, with leucine, which is neutral and non-polar, at codon 689 of the VAV1 protein (p.Ser689Leu). This variant is not present in population databases (gnomAD no frequency). This variant has not been reported in the literature in individuals affected with VAV1-related conditions. ClinVar contains an entry for this variant (Variation ID: 2536198). An algorithm developed to predict the effect of missense changes on protein structure and function (PolyPhen-2) suggests that this variant is likely to be disruptive. In summary, the available evidence is currently insufficient to determine the role of this variant in disease. Therefore, it has been classified as a Variant of Uncertain Significance.

Ambry Genetics
Classification: Uncertain significance. Last evaluated: 2023-04-11. Review status: criteria provided, single submitter. Criteria: Ambry Variant Classification Scheme 2023. Collection method: clinical testing. Allele origin: germline.

NM_005428.4(VAV1):c.2066C>T (p.Ser689Leu)

Gene: VAV1 (vav guanine nucleotide exchange factor 1; plus strand). Cytogenetic location: 19p13.3.
Variant type: single nucleotide variant.
Coding change: c.2066C>T on transcript NM_005428.4 (MANE Select); coding-DNA position 2066, C replaced by T.
Protein change: p.Ser689Leu; replaces serine 689 with leucine.
Molecular consequence: missense variant.
Genome position (GRCh38, 1-based): chr19:6,848,051, C>T. VCF-style: chr19-6848051-C-T. GRCh37 (hg19) VCF-style: chr19-6848062-C-T.
Other names: c.2000C>T, p.Ser667Leu (NM_001258206.2); c.1970C>T, p.Ser657Leu (NM_001258207.2); short protein forms S657L, S689L, S667L.
Identifiers: ClinVar variation 2536198 (VCV002536198.3), dbSNP rs1972570238, ClinGen allele CA403635223.